The following is an entry in ClinVar:

ClinVar aggregate classification (germline): Uncertain significance (1 of 4 stars; one submission).

Conditions:
Inborn genetic diseases. Identifiers: MedGen C0950123, MeSH D030342.

Submission:

Ambry Genetics
Classification: Uncertain significance for Inborn genetic diseases. Last evaluated: 2024-12-13. Review status: criteria provided, single submitter. Criteria: Ambry Variant Classification Scheme 2023. Collection method: clinical testing. Allele origin: germline.
Comment: The p.I960V variant (also known as c.2878A>G), located in coding exon 13 of the MECOM gene, results from an A to G substitution at nucleotide position 2878. The isoleucine at codon 960 is replaced by valine, an amino acid with highly similar properties. This amino acid position is conserved. In addition, this alteration is predicted to be tolerated by in silico analysis. Based on the available evidence, the clinical significance of this variant remains unclear.

NM_004991.4(MECOM):c.2878A>G (p.Ile960Val)

Gene: MECOM (MDS1 and EVI1 complex locus; minus strand). Cytogenetic location: 3q26.2.
Variant type: single nucleotide variant.
Coding change: c.2878A>G on transcript NM_004991.4 (MANE Select); coding-DNA position 2878, A replaced by G.
Protein change: p.Ile960Val; replaces isoleucine 960 with valine.
Molecular consequence: missense variant.
Genome position (GRCh38, 1-based): chr3:169,095,217, T>C on the plus strand (A>G on the coding strand, the complement: MECOM is on the minus strand). VCF-style: chr3-169095217-T-C. GRCh37 (hg19) VCF-style: chr3-168813005-T-C.
Other names: c.2509A>G, p.Ile837Val (NM_001105077.4); c.2314A>G, p.Ile772Val (NM_001105078.4, NM_001205194.2, NM_001366469.2 and 1 more transcripts); c.2290A>G, p.Ile764Val (NM_001163999.2, NM_001366470.2); c.2287A>G, p.Ile763Val (NM_001164000.2, NM_001366471.2, NM_001366472.2); c.2851A>G, p.Ile951Val (NM_001366466.2); c.2317A>G, p.Ile773Val (NM_001366467.2, NM_001366468.2); c.1879A>G, p.Ile627Val (NM_001366473.2); c.1315A>G, p.Ile439Val (NM_001366474.2); short protein forms I763V, I764V, I951V, I960V, I439V, I627V, I837V, I772V.
Identifiers: ClinVar variation 3871592 (VCV003871592.1).